The following is an entry in ClinVar:

NM_203446.3(SYNJ1):c.3376C>A (p.Pro1126Thr)

Gene: SYNJ1 (synaptojanin 1; minus strand). Cytogenetic location: 21q22.11.
Variant type: single nucleotide variant.
Coding change: c.3376C>A on transcript NM_203446.3 (MANE Select); coding-DNA position 3376, C replaced by A.
Protein change: p.Pro1126Thr; replaces proline 1126 with threonine.
Molecular consequence: missense variant.
Genome position (GRCh38, 1-based): chr21:32,645,661, G>T on the plus strand (C>A on the coding strand, the complement: SYNJ1 is on the minus strand). VCF-style: chr21-32645661-G-T. GRCh37 (hg19) VCF-style: chr21-34017971-G-T.
Other names: c.3376C>A, p.Pro1126Thr (NM_001160302.2); c.3361C>A, p.Pro1121Thr (NM_001160306.2); c.3493C>A, p.Pro1165Thr (NM_003895.4); short protein forms P1121T, P1165T, P1126T.
Identifiers: ClinVar variation 658281 (VCV000658281.10), dbSNP rs1485482944, ClinGen allele CA410068195.

ClinVar aggregate classification (germline): Uncertain significance. Review status: criteria provided, multiple submitters, no conflicts (2 of 4 stars). 2 submissions from 2 submitters: Uncertain significance (2). Last evaluated 2020-12-02.

Conditions:
Developmental and epileptic encephalopathy, 53. Also called: Epileptic encephalopathy, early infantile, 53. Identifiers: MedGen C4479313, MONDO:0033362, OMIM 617389.
Early-onset Parkinson disease 20. Also called: PARKINSON DISEASE 20, AUTOSOMAL RECESSIVE EARLY-ONSET. Identifiers: Orphanet 391411, MedGen C3809824, MONDO:0014233, OMIM 615530.

Submissions (2):

Baylor Genetics
Classification: Uncertain significance for Developmental and epileptic encephalopathy, 53. Last evaluated: 2020-12-02. Review status: criteria provided, single submitter. Criteria: ACMG Guidelines, 2015. Collection method: clinical testing. Allele origin: paternal. Affected: yes.
Comment: This variant was determined to be of uncertain significance according to ACMG Guidelines, 2015 [PMID:25741868].

Labcorp Genetics (formerly Invitae), Labcorp
Classification: Uncertain significance for Developmental and epileptic encephalopathy, 53; Early-onset Parkinson disease 20. Last evaluated: 2020-02-11. Review status: criteria provided, single submitter. Criteria: Invitae Variant Classification Sherloc (09022015). Collection method: clinical testing. Allele origin: germline.
Comment: This sequence change replaces proline with threonine at codon 1165 of the SYNJ1 protein (p.Pro1165Thr). The proline residue is highly conserved and there is a small physicochemical difference between proline and threonine. The frequency data for this variant in the population databases is considered unreliable, as metrics indicate insufficient coverage at this position in the ExAC database. This variant has not been reported in the literature in individuals with SYNJ1-related disease. Algorithms developed to predict the effect of missense changes on protein structure and function are either unavailable or do not agree on the potential impact of this missense change (SIFT: "Deleterious"; PolyPhen-2: "Probably Damaging"; Align-GVGD: "Class C0"). In summary, the available evidence is currently insufficient to determine the role of this variant in disease. Therefore, it has been classified as a Variant of Uncertain Significance.